The following is an entry in ClinVar:

NM_001903.5(CTNNA1):c.158G>A (p.Gly53Asp)

Gene: CTNNA1 (catenin alpha 1; plus strand). Cytogenetic location: 5q31.2.
Variant type: single nucleotide variant.
Coding change: c.158G>A on transcript NM_001903.5 (MANE Select); coding-DNA position 158, G replaced by A.
Protein change: p.Gly53Asp; replaces glycine 53 with aspartic acid.
Molecular consequence: missense variant. On other transcripts: 5 prime UTR variant (1), intron variant (1).
Genome position (GRCh38, 1-based): chr5:138,783,229, G>A. VCF-style: chr5-138783229-G-A. GRCh37 (hg19) VCF-style: chr5-138118918-G-A.
Other names: c.158G>A, p.Gly53Asp (NM_001290307.3, NM_001323982.2, NM_001323983.1 and 3 more transcripts); c.-49G>A (NM_001290310.3); c.-9+1200G>A (NM_001290309.3); short protein forms G53D.
Identifiers: ClinVar variation 2749878 (VCV002749878.3), dbSNP rs2532178267, ClinGen allele CA361477376.
Genomic context (GRCh38, chr5:138,783,229, plus strand): 5'-ACTTTTAGGTTACAACCCTTGTAAACACCAATAGTAAAGGGCCCTCTAATAAGAAGAGAG[G>A]TCGTTCTAAGAAGGCCCATGTTTTGGCTGCATCTGTTGAACAAGCAACTGAGAATTTCTT-3'
Protein context (NP_001894.2, residues 43-63): NSKGPSNKKR[Gly53Asp]RSKKAHVLAA

ClinVar aggregate classification (germline): Uncertain significance (1 of 4 stars; one submission).

Allele frequency attached by ClinVar (database versions not stated): gnomAD exomes below 0.00001.
gnomAD v4.1: 2 of 1,613,694 alleles (0.00012%); highest among the groups gnomAD compares: Non-Finnish European, 0.000085%; no homozygotes.

Submission:

Labcorp Genetics (formerly Invitae), Labcorp
Classification: Uncertain significance. Last evaluated: 2023-05-30. Review status: criteria provided, single submitter. Criteria: Invitae Variant Classification Sherloc (09022015). Collection method: clinical testing. Allele origin: germline.
Comment: This sequence change replaces glycine, which is neutral and non-polar, with aspartic acid, which is acidic and polar, at codon 53 of the CTNNA1 protein (p.Gly53Asp). This variant is not present in population databases (gnomAD no frequency). This variant has not been reported in the literature in individuals affected with CTNNA1-related conditions. Advanced modeling of protein sequence and biophysical properties (such as structural, functional, and spatial information, amino acid conservation, physicochemical variation, residue mobility, and thermodynamic stability) performed at Invitae indicates that this missense variant is not expected to disrupt CTNNA1 protein function. In summary, the available evidence is currently insufficient to determine the role of this variant in disease. Therefore, it has been classified as a Variant of Uncertain Significance.